The following is an entry in ClinVar:

ClinVar aggregate classification (germline): Pathogenic/Likely pathogenic. Review status: criteria provided, multiple submitters, no conflicts (2 of 4 stars). 4 submissions from 4 submitters: Pathogenic (1); Likely pathogenic (2). 1 of the submissions does not count toward it. Last evaluated 2025-11-20.

Conditions:
Fish-eye disease (FED). Also called: DYSLIPOPROTEINEMIC CORNEAL DYSTROPHY; LCATA DEFICIENCY; ALPHA-LCAT DEFICIENCY. Identifiers: Orphanet 650, Orphanet 79292, MedGen C0342895, MONDO:0007620, OMIM 136120.
Norum disease. Also called: Familial lecithin cholesterol acyltransferase deficiency. Identifiers: Orphanet 79293, MedGen C0023195, MONDO:0009515, OMIM 245900.
Cardiovascular phenotype. Identifiers: MedGen CN230736.
LCAT deficiency. Also called: Lecithin Acyltransferase Deficiency. Identifiers: Orphanet 650, Orphanet 79293, MedGen C5779633, MONDO:0018999.

Allele frequency attached by ClinVar (database versions not stated): ExAC 0.00001; gnomAD 0.00001 and 0.00002; TOPMed 0.00002.
gnomAD v4.1: 25 of 1,612,714 alleles (0.0016%); highest among the groups gnomAD compares: Non-Finnish European, 0.002%; no homozygotes.

Submissions (4):

Ambry Genetics
Classification: Pathogenic for Cardiovascular phenotype. Last evaluated: 2025-11-20. Review status: criteria provided, single submitter. Criteria: Ambry Variant Classification Scheme 2023. Collection method: clinical testing. Allele origin: germline.
Comment: The p.T345M pathogenic mutation (also known as c.1034C>T), located in coding exon 6 of the LCAT gene, results from a C to T substitution at nucleotide position 1034. The threonine at codon 345 is replaced by methionine, an amino acid with similar properties. This variant has been identified in the homozygous state and/or in conjunction with other LCAT variant(s) in individual(s) with features consistent with LCAT deficiency; in at least one instance, the variants were identified in trans (Funke H et al. J Clin Invest, 1993 Feb;91:677-83; Miller M et al. J Lipid Res, 1995 May;36:931-8; Holleboom AG et al. Arterioscler Thromb Vasc Biol, 2012 Dec;32:3066-75; Stoekenbroek RM et al. Neth J Med, 2013 Jan;71:29-31; Hanna EV et al. J Clin Lipidol, 2018 Jul;12:1151-1156; Kinoshita S et al. Am J Ophthalmol Case Rep, 2021 Dec;24:101211). This amino acid position is highly conserved in available vertebrate species. In addition, this alteration is predicted to be deleterious by in silico analysis. Based on the supporting evidence, this variant is interpreted as a disease-causing mutation.

Labcorp Genetics (formerly Invitae), Labcorp
Classification: Likely pathogenic. Last evaluated: 2024-07-30. Review status: criteria provided, single submitter. Criteria: Invitae Variant Classification Sherloc (09022015). Collection method: clinical testing. Allele origin: germline.
Comment: This sequence change replaces threonine, which is neutral and polar, with methionine, which is neutral and non-polar, at codon 345 of the LCAT protein (p.Thr345Met). This variant is present in population databases (rs28940888, gnomAD 0.002%). This missense change has been observed in individual(s) with LCAT deficiency (PMID: 8432868, 30201532, 32041611; Invitae). This variant is also known as 321 Thr>Met. ClinVar contains an entry for this variant (Variation ID: 3670). Advanced modeling of protein sequence and biophysical properties (such as structural, functional, and spatial information, amino acid conservation, physicochemical variation, residue mobility, and thermodynamic stability) performed at Invitae indicates that this missense variant is expected to disrupt LCAT protein function with a positive predictive value of 80%. In summary, the currently available evidence indicates that the variant is pathogenic, but additional data are needed to prove that conclusively. Therefore, this variant has been classified as Likely Pathogenic.

Fulgent Genetics
Classification: Likely pathogenic for Fish-eye disease; Norum disease. Last evaluated: 2024-03-25. Review status: criteria provided, single submitter. Criteria: ACMG Guidelines, 2015. Collection method: clinical testing. Allele origin: germline.

OMIM
Classification: Pathogenic for LCAT DEFICIENCY. Last evaluated: 1993-02-01. Review status: no assertion criteria provided. Collection method: literature only. Allele origin: germline. Not counted in ClinVar's aggregate classification.

Literature cited by the submitters: PubMed 23023370 (cited by Ambry Genetics); PubMed 23412821 (cited by Ambry Genetics); PubMed 30201532 (cited by Ambry Genetics and Labcorp Genetics (formerly Invitae), Labcorp); PubMed 34604605 (cited by Ambry Genetics); PubMed 7658165 (cited by Ambry Genetics); PubMed 8432868 (cited by 3 submitters); PubMed 32041611 (cited by Labcorp Genetics (formerly Invitae), Labcorp).

NM_000229.2(LCAT):c.1034C>T (p.Thr345Met)

Gene: LCAT (lecithin-cholesterol acyltransferase; minus strand). Cytogenetic location: 16q22.1.
Variant type: single nucleotide variant.
Coding change: c.1034C>T on transcript NM_000229.2 (MANE Select); coding-DNA position 1034, C replaced by T.
Protein change: p.Thr345Met; replaces threonine 345 with methionine.
Molecular consequence: missense variant.
Genome position (GRCh38, 1-based): chr16:67,940,193, G>A on the plus strand (C>T on the coding strand, the complement: LCAT is on the minus strand). VCF-style: chr16-67940193-G-A. GRCh37 (hg19) VCF-style: chr16-67974096-G-A.
Other names: T321M; c.1034C>T (NM_000229.1); short protein forms T345M.
Identifiers: ClinVar variation 3670 (VCV000003670.5), dbSNP rs28940888, ClinGen allele CA116425.